The following is an entry in ClinVar:

ClinVar aggregate classification (germline): Likely benign (1 of 4 stars; one submission).

Submission:

CeGaT Center for Human Genetics Tuebingen
Classification: Likely benign. Last evaluated: 2025-10-01. Review status: criteria provided, single submitter. Criteria: CeGaT Center For Human Genetics Tuebingen Variant Classification Criteria Version 2. Collection method: clinical testing. Allele origin: germline. Affected: yes. Observed: 1 variant allele.
Comment: GP1BA: PM2:Supporting, BP4, BP7

NM_000173.7(GP1BA):c.1293C>T (p.Ala431=)

Gene: GP1BA (glycoprotein Ib platelet subunit alpha; plus strand). Cytogenetic location: 17p13.2.
Variant type: single nucleotide variant.
Coding change: c.1293C>T on transcript NM_000173.7 (MANE Select); coding-DNA position 1293, C replaced by T.
Protein change: p.Ala431=; no amino-acid change (alanine 431 retained).
Molecular consequence: synonymous variant.
Genome position (GRCh38, 1-based): chr17:4,933,897, C>T. VCF-style: chr17-4933897-C-T. GRCh37 (hg19) VCF-style: chr17-4837192-C-T.
Identifiers: ClinVar variation 4533707 (VCV004533707.6).
Genomic context (GRCh38, chr17:4,933,897, plus strand): 5'-AGAGCCCACCTCAGAGCCCGCCCCCAGCCCGACCACCCCGGAGCCCACCTCAGAGCCCGC[C>T]CCCAGCCCGACCACCCCAGAGCCCACCTCAGAGCCCGCCCCCAGCCCGACCACCCCGGAG-3'
Protein context (NP_000164.5, residues 421-441): PTTPEPTSEP[Ala431=]PSPTTPEPTS